The following is an entry in ClinVar:

ClinVar aggregate classification (germline): Conflicting classifications of pathogenicity. Review status: criteria provided, conflicting classifications (1 of 4 stars). 3 submissions from 3 submitters: Likely pathogenic (1); Uncertain significance (2). Last evaluated 2026-09-11.

Conditions:
Multiple congenital anomalies-hypotonia-seizures syndrome 3 (MCAHS3). Also called: GLYCOSYLPHOSPHATIDYLINOSITOL BIOSYNTHESIS DEFECT 7. Identifiers: Orphanet 369837, MedGen C3809356, MONDO:0014165, OMIM 615398.

Submissions (3):

GeneDx
Classification: Likely pathogenic. Last evaluated: 2026-09-11. Review status: criteria provided, single submitter. Criteria: GeneDx Variant Classification Process June 2021. Collection method: clinical testing. Allele origin: germline.
Comment: Published functional studies indicate a damaging effect; however, the reported enzyme activity was within the normal range (PMID: 28327575); Frameshift variant predicted to result in abnormal protein length as the last 1 amino acid are replaced with 34 different amino acids; Not observed at significant frequency in large population cohorts (gnomAD); This variant is associated with the following publications: (PMID: 30976099, 31430258, 32725661, 33144682, 28327575, 37872713)

Department of Pathology and Laboratory Medicine, Sinai Health System
Classification: Uncertain significance for multiple congenital anomalies-hypotonia-seizures syndrome 3. Last evaluated: 2022-07-04. Review status: criteria provided, single submitter. Criteria: ACMG Guidelines, 2015. Collection method: research. Allele origin: germline.

Baylor Genetics
Classification: Uncertain significance for Multiple congenital anomalies-hypotonia-seizures syndrome 3. Last evaluated: 2019-02-01. Review status: criteria provided, single submitter. Criteria: ACMG Guidelines, 2015. Collection method: clinical testing. Allele origin: maternal. Affected: yes.
Comment: This variant was determined to be of uncertain significance according to ACMG Guidelines, 2015 [PMID:25741868].

NM_015937.6(PIGT):c.1730dup (p.Leu578fs)

Gene: PIGT (phosphatidylinositol glycan anchor biosynthesis class T; plus strand). Cytogenetic location: 20q13.12.
Variant type: Duplication.
Coding change: c.1730dup on transcript NM_015937.6 (MANE Select); coding-DNA position 1730, one base duplicated (C; older notation c.1730dupC).
Protein change: p.Leu578fs; shifts the reading frame from leucine 578.
Molecular consequence: frameshift variant. On other transcripts: non-coding transcript variant (5).
Genome position (GRCh38, 1-based): chr20:45,425,819, C duplicated; the last of 6 consecutive C bases (chr20:45,425,814-45,425,819); duplicating any one gives the same sequence. VCF-style (leftmost placement, unchanged base first): chr20-45425813-T-TC. GRCh37 (hg19) VCF-style: chr20-44054453-T-TC.
Other names: c.1730dupC (NM_015937.5); c.1562dup, p.Leu522fs (NM_001184728.3); c.1529dup, p.Leu511fs (NM_001184729.3); c.1424dup, p.Leu476fs (NM_001184730.3); short protein forms L522fs, L578fs, L511fs, L476fs.
Identifiers: ClinVar variation 1029418 (VCV001029418.9), dbSNP rs760395465, ClinGen allele CA9878376.